The following is an entry in ClinVar:

ClinVar aggregate classification (germline): Conflicting classifications of pathogenicity. Review status: criteria provided, conflicting classifications (1 of 4 stars). 3 submissions from 3 submitters: Uncertain significance (2); Likely benign (1). Last evaluated 2026-06-18.

Conditions:
Hereditary cancer-predisposing syndrome. Also called: Tumor predisposition; Hereditary neoplastic syndrome; Neoplastic Syndromes, Hereditary; Hereditary Cancer Syndrome. Identifiers: Orphanet 140162, MedGen C0027672, MeSH D009386, MONDO:0015356.
Tuberous sclerosis 2 (TSC2). Identifiers: Orphanet 805, MedGen C1860707, MONDO:0013199, OMIM 613254.

Submissions (3):

Ambry Genetics
Classification: Likely benign for Hereditary cancer-predisposing syndrome. Last evaluated: 2026-06-18. Review status: criteria provided, single submitter. Criteria: Ambry Variant Classification Scheme 2023. Collection method: clinical testing. Allele origin: germline.

Labcorp Genetics (formerly Invitae), Labcorp
Classification: Uncertain significance for Tuberous sclerosis 2. Last evaluated: 2025-07-29. Review status: criteria provided, single submitter. Criteria: Invitae Variant Classification Sherloc (09022015). Collection method: clinical testing. Allele origin: germline.
Comment: This sequence change replaces isoleucine, which is neutral and non-polar, with valine, which is neutral and non-polar, at codon 17 of the TSC2 protein (p.Ile17Val). The frequency data for this variant in the population databases is considered unreliable, as metrics indicate poor data quality at this position in the gnomAD database. This variant has not been reported in the literature in individuals affected with TSC2-related conditions. ClinVar contains an entry for this variant (Variation ID: 825353). Invitae Evidence Modeling of protein sequence and biophysical properties (such as structural, functional, and spatial information, amino acid conservation, physicochemical variation, residue mobility, and thermodynamic stability) indicates that this missense variant is not expected to disrupt TSC2 protein function with a negative predictive value of 95%. In summary, the available evidence is currently insufficient to determine the role of this variant in disease. Therefore, it has been classified as a Variant of Uncertain Significance.

Genome-Nilou Lab
Classification: Uncertain significance for Tuberous sclerosis 2. Last evaluated: 2021-11-07. Review status: criteria provided, single submitter. Criteria: ACMG Guidelines, 2015. Collection method: clinical testing. Allele origin: germline. Affected: no.

NM_000548.5(TSC2):c.49A>G (p.Ile17Val)

Gene: TSC2 (TSC complex subunit 2; plus strand). Cytogenetic location: 16p13.3.
Variant type: single nucleotide variant.
Coding change: c.49A>G on transcript NM_000548.5 (MANE Select); coding-DNA position 49, A replaced by G.
Protein change: p.Ile17Val; replaces isoleucine 17 with valine.
Molecular consequence: missense variant. On other transcripts: 5 prime UTR variant (1), intron variant (1).
Genome position (GRCh38, 1-based): chr16:2,048,664, A>G. VCF-style: chr16-2048664-A-G. GRCh37 (hg19) VCF-style: chr16-2098665-A-G.
Other names: c.49A>G, p.Ile17Val (NM_001077183.3, NM_001114382.3, NM_001318827.2 and 4 more transcripts); c.-178A>G (NM_001318831.2); c.82A>G, p.Ile28Val (NM_001318832.2); c.-10+599A>G (NM_001318829.2); short protein forms I17V, I28V.
Identifiers: ClinVar variation 825353 (VCV000825353.16), dbSNP rs1274194851, ClinGen allele CA394301016.